The following is an entry in ClinVar:

ClinVar aggregate classification (germline): Uncertain significance (1 of 4 stars; one submission).

Conditions:
Retinitis pigmentosa 59 (RP59). Identifiers: Orphanet 791, MedGen C3151227, MONDO:0013468, OMIM 613861.

gnomAD v4.1: 1 of 1,614,114 alleles (0.000062%); no homozygotes.

Submission:

Labcorp Genetics (formerly Invitae), Labcorp
Classification: Uncertain significance for Retinitis pigmentosa 59. Last evaluated: 2023-12-30. Review status: criteria provided, single submitter. Criteria: Invitae Variant Classification Sherloc (09022015). Collection method: clinical testing. Allele origin: germline.
Comment: This sequence change replaces serine, which is neutral and polar, with cysteine, which is neutral and slightly polar, at codon 86 of the DHDDS protein (p.Ser86Cys). This variant is not present in population databases (gnomAD no frequency). This variant has not been reported in the literature in individuals affected with DHDDS-related conditions. Advanced modeling of protein sequence and biophysical properties (such as structural, functional, and spatial information, amino acid conservation, physicochemical variation, residue mobility, and thermodynamic stability) performed at Invitae indicates that this missense variant is not expected to disrupt DHDDS protein function with a negative predictive value of 80%. In summary, the available evidence is currently insufficient to determine the role of this variant in disease. Therefore, it has been classified as a Variant of Uncertain Significance.

NM_205861.3(DHDDS):c.257C>G (p.Ser86Cys)

Gene: DHDDS (dehydrodolichyl diphosphate synthase subunit; plus strand). Cytogenetic location: 1p36.11.
Variant type: single nucleotide variant.
Coding change: c.257C>G on transcript NM_205861.3 (MANE Select); coding-DNA position 257, C replaced by G.
Protein change: p.Ser86Cys; replaces serine 86 with cysteine.
Molecular consequence: missense variant. On other transcripts: 5 prime UTR variant (1).
Genome position (GRCh38, 1-based): chr1:26,442,807, C>G. VCF-style: chr1-26442807-C-G. GRCh37 (hg19) VCF-style: chr1-26769298-C-G.
Other names: c.257C>G, p.Ser86Cys (NM_001243564.2, NM_001243565.2, NM_024887.4); c.-23C>G (NM_001319959.2); short protein forms S86C.
Identifiers: ClinVar variation 2979180 (VCV002979180.3), dbSNP rs2524516354, ClinGen allele CA339140339.